The following is an entry in ClinVar:

NM_001198533.2(OXR1):c.1624+2dup

Gene: OXR1 (oxidation resistance 1; plus strand). Cytogenetic location: 8q23.1.
Variant type: Duplication.
Coding change: c.1624+2dup on transcript NM_001198533.2 (MANE Select); the canonical splice donor site of the intron after coding-DNA position 1624, one base duplicated (T; older notation c.1624+2dupT).
Molecular consequence: splice donor variant.
Genome position (GRCh38, 1-based): chr8:106,707,147, T duplicated. VCF-style (leftmost placement, unchanged base first): chr8-106707146-G-GT. GRCh37 (hg19) VCF-style: chr8-107719374-G-GT.
Other names: c.1624+2dup (NM_018002.3); c.1627+2dup (NM_001198532.1); c.1603+2dup (NM_181354.4).
Identifiers: ClinVar variation 3372526 (VCV003372526.1).

ClinVar aggregate classification (germline): Uncertain significance (1 of 4 stars; one submission).

Submission:

GeneDx
Classification: Uncertain significance. Last evaluated: 2024-04-23. Review status: criteria provided, single submitter. Criteria: GeneDx Variant Classification Process June 2021. Collection method: clinical testing. Allele origin: germline. Affected: yes.
Comment: Not observed at significant frequency in large population cohorts (gnomAD); In silico analysis supports a deleterious effect on splicing; Has not been previously published as pathogenic or benign to our knowledge; Reported using an alternate transcript of the gene